The following is an entry in ClinVar:

NM_001267550.2(TTN):c.36749C>T (p.Pro12250Leu)

Gene: TTN (titin; minus strand). Cytogenetic location: 2q31.2.
Variant type: single nucleotide variant.
Coding change: c.36749C>T on transcript NM_001267550.2 (MANE Select); coding-DNA position 36749, C replaced by T.
Protein change: p.Pro12250Leu; replaces proline 12250 with leucine.
Molecular consequence: missense variant. On other transcripts: intron variant (3).
Genome position (GRCh38, 1-based): chr2:178,663,007, G>A on the plus strand (C>T on the coding strand, the complement: TTN is on the minus strand). VCF-style: chr2-178663007-G-A. GRCh37 (hg19) VCF-style: chr2-179527734-G-A.
Other names: c.34313C>T, p.Pro11438Leu (NM_001256850.1); c.31532C>T, p.Pro10511Leu (NM_133378.4); c.13283-20690C>T (NM_003319.4); c.13859-20690C>T (NM_133437.4); c.13658-20690C>T (NM_133432.3); short protein forms P10511L, P11438L, P12250L.
Identifiers: ClinVar variation 4987514 (VCV004987514.1).
Genomic context (GRCh38, chr2:178,663,007, plus strand): 5'-AATGTGTAATGATACCTACCTTTAGGAGGTGGAGCTTCTGGCTTTTTGGCAGGAGGCACC[G>A]GTACTTTCTTTTCTGGGACCACTTCCTTCGGTGGCAGCACTTCAGGCACTTCAAAGATAT-3'
Protein context (NP_001254479.2, residues 12240-12260): PKEVVPEKKV[Pro12250Leu]VPPAKKPEAP

ClinVar aggregate classification (germline): Uncertain significance (1 of 4 stars; one submission).

Conditions:
TTN-related disorder. Also called: TTN-related disorders; TTN-related condition; TTN-related disease.

Submission:

PreventionGenetics, part of Exact Sciences
Classification: Uncertain significance for TTN-related condition. Last evaluated: 2026-06-19. Review status: criteria provided, single submitter. Criteria: ACMG Guidelines, 2015. Collection method: clinical testing. Allele origin: germline.
Comment: The TTN c.36749C>T variant is predicted to result in the amino acid substitution p.Pro12250Leu. To our knowledge, this variant has not been reported in the literature. This variant is reported in 0.023% of alleles in individuals of African descent in gnomAD. At this time, the clinical significance of this variant is uncertain due to the absence of conclusive functional and genetic evidence.